The following is an entry in ClinVar:

NC_000015.9:g.(?_25584284)_(25585395_?)del

Gene: UBE3A (ubiquitin protein ligase E3A; minus strand). Cytogenetic location: 15q11.2.
Variant type: Deletion.
Identifiers: ClinVar variation 2427203 (VCV002427203.4).

ClinVar aggregate classification (germline): Pathogenic (1 of 4 stars; one submission).

Conditions:
Angelman syndrome (AS). Also called: HAPPY PUPPET SYNDROME. Identifiers: Orphanet 72, MedGen C0162635, MONDO:0007113, OMIM 105830. Disease mechanism: loss of function. Inheritance: imprinting disorder, AS is caused by disruption of maternally imprinted UBE3A located within the 15q11.2-q13 Angelman syndrome/Prader-Willi syndrome (AS/PWS) region..

Submission:

Labcorp Genetics (formerly Invitae), Labcorp
Classification: Pathogenic for Angelman syndrome. Last evaluated: 2022-03-26. Review status: criteria provided, single submitter. Criteria: Invitae Variant Classification Sherloc (09022015). Collection method: clinical testing. Allele origin: germline.
Comment: For these reasons, this variant has been classified as Pathogenic. A similar copy number variant has been observed in individual(s) with Angelman syndrome (PMID: 29162042). In at least one individual the variant was observed to be de novo. This variant is a gross deletion of the genomic region encompassing exon(s) 9-10 of the UBE3A gene, which includes the termination codon. This deletion extends beyond the assayed region for this gene and therefore may encompass additional genes. While this deletion is not anticipated to lead to nonsense mediated decay, it is expected to alter mRNA translation or result in a truncated protein product.

Literature cited by the submitters: PubMed 29162042.